The following is an entry in ClinVar:

NM_004360.5(CDH1):c.833-9C>T

Gene: CDH1 (cadherin 1; plus strand). Cytogenetic location: 16q22.1.
Variant type: single nucleotide variant.
Coding change: c.833-9C>T on transcript NM_004360.5 (MANE Select); 9 bases into the intron before coding-DNA position 833, C replaced by T.
Molecular consequence: intron variant.
Genome position (GRCh38, 1-based): chr16:68,811,675, C>T. VCF-style: chr16-68811675-C-T. GRCh37 (hg19) VCF-style: chr16-68845578-C-T.
Other names: c.-783-9C>T (NM_001317185.2); c.-987-9C>T (NM_001317186.2); c.833-9C>T (NM_001317184.2).
Identifiers: ClinVar variation 924166 (VCV000924166.12), dbSNP rs878854698, ClinGen allele CA913188782.
Genomic context (GRCh38, chr16:68,811,675, plus strand): 5'-GATTAAGCAGTATTGACCCAGTCCCAAAGTGCAGCTTGTCTAAACCTTCATCTCCTTGAA[C>T]TCTTCCAGGAACCTCTGTGATGGAGGTCACAGCCACAGACGCGGACGATGATGTGAACAC-3'

ClinVar aggregate classification (germline): Likely benign. Review status: criteria provided, multiple submitters, no conflicts (2 of 4 stars). 3 submissions from 3 submitters: Likely benign (3). Last evaluated 2025-04-30.

Conditions:
Hereditary cancer-predisposing syndrome. Also called: Hereditary Cancer Syndrome; Hereditary neoplastic syndrome; Neoplastic Syndromes, Hereditary; Tumor predisposition. Identifiers: Orphanet 140162, MedGen C0027672, MeSH D009386, MONDO:0015356.
Hereditary diffuse gastric adenocarcinoma (HDGC). Also called: DIFFUSE GASTRIC AND LOBULAR BREAST CANCER SYNDROME. Identifiers: Orphanet 26106, MedGen C1708349, MONDO:0007648, OMIM 137215.

Submissions (3):

Labcorp Genetics (formerly Invitae), Labcorp
Classification: Likely benign for Hereditary diffuse gastric adenocarcinoma. Last evaluated: 2025-04-30. Review status: criteria provided, single submitter. Criteria: Invitae Variant Classification Sherloc (09022015). Collection method: clinical testing. Allele origin: germline.

Myriad Genetics, Inc.
Classification: Likely benign for Hereditary diffuse gastric adenocarcinoma. Last evaluated: 2024-09-16. Review status: criteria provided, single submitter. Criteria: Myriad Autosomal Dominant, Autosomal Recessive and X-Linked Classification Criteria (2023). Collection method: clinical testing. Allele origin: unknown.
Comment: This variant is considered likely benign. This variant is intronic and is not expected to impact mRNA splicing.

Color Diagnostics, LLC DBA Color Health
Classification: Likely benign for Hereditary cancer-predisposing syndrome. Last evaluated: 2021-06-08. Review status: criteria provided, single submitter. Criteria: ACMG Guidelines, 2015. Collection method: clinical testing. Allele origin: germline.